The following is an entry in ClinVar:

NM_002234.4(KCNA5):c.1453del (p.Asp485fs)

Gene: KCNA5 (potassium voltage-gated channel subfamily A member 5; plus strand). Cytogenetic location: 12p13.32.
Variant type: Deletion.
Coding change: c.1453del on transcript NM_002234.4 (MANE Select); coding-DNA position 1453, one base deleted (G; older notation c.1453delG).
Protein change: p.Asp485fs; shifts the reading frame from aspartic acid 485.
Molecular consequence: frameshift variant.
Genome position (GRCh38, 1-based): chr12:5,045,600, G deleted; the last of 4 consecutive G bases (chr12:5,045,597-5,045,600); deleting any one gives the same sequence. VCF-style (leftmost placement, unchanged base first): chr12-5045596-CG-C. GRCh37 (hg19) VCF-style: chr12-5154762-CG-C.
Other names: short protein forms D485fs.
Identifiers: ClinVar variation 4797601 (VCV004797601.1).

ClinVar aggregate classification (germline): Uncertain significance (1 of 4 stars; one submission).

Conditions:
Atrial fibrillation, familial, 7 (ATFB7). Identifiers: MedGen C2677106, MONDO:0012828, OMIM 612240.

Submission:

Labcorp Genetics (formerly Invitae), Labcorp
Classification: Uncertain significance for Atrial fibrillation, familial, 7. Last evaluated: 2025-12-26. Review status: criteria provided, single submitter. Criteria: Invitae Variant Classification Sherloc (09022015). Collection method: clinical testing. Allele origin: germline.
Comment: This sequence change creates a premature translational stop signal (p.Asp485Thrfs*2) in the KCNA5 gene. While this is not anticipated to result in nonsense mediated decay, it is expected to disrupt the last 129 amino acid(s) of the KCNA5 protein. This variant is not present in population databases (gnomAD no frequency). This variant has not been reported in the literature in individuals affected with KCNA5-related conditions. Experimental studies and prediction algorithms are not available or were not evaluated, and the functional significance of this variant is currently unknown. In summary, the available evidence is currently insufficient to determine the role of this variant in disease. Therefore, it has been classified as a Variant of Uncertain Significance.